The following is an entry in ClinVar:

ClinVar aggregate classification (germline): Likely benign. Review status: criteria provided, multiple submitters, no conflicts (2 of 4 stars). 3 submissions from 3 submitters: Likely benign (3). Last evaluated 2026-06-04.

Conditions:
TRRAP-related disorder. Also called: TRRAP-related condition.

Allele frequency attached by ClinVar (database versions not stated): ExAC 0.00006.
gnomAD v4.1: 37 of 1,614,016 alleles (0.0023%); highest among the groups gnomAD compares: Admixed American, 0.028%; no homozygotes.

Submissions (3):

PreventionGenetics, part of Exact Sciences
Classification: Likely benign for TRRAP-related condition. Last evaluated: 2026-06-04. Review status: criteria provided, single submitter. Criteria: ACMG Guidelines, 2015. Collection method: clinical testing. Allele origin: germline.
Comment: This variant is classified as likely benign based on ACMG/AMP sequence variant interpretation guidelines (Richards et al. 2015 PMID: 25741868, with internal and published modifications).

Blueprint Genetics
Classification: Likely benign. Last evaluated: 2024-11-21. Review status: criteria provided, single submitter. Criteria: ACMG Guidelines, 2015. Collection method: clinical testing. Allele origin: germline.

Labcorp Genetics (formerly Invitae), Labcorp
Classification: Likely benign. Last evaluated: 2024-10-29. Review status: criteria provided, single submitter. Criteria: Invitae Variant Classification Sherloc (09022015). Collection method: clinical testing. Allele origin: germline.

NM_001375524.1(TRRAP):c.7890G>A (p.Thr2630=)

Gene: TRRAP (transformation/transcription domain associated protein; plus strand). Cytogenetic location: 7q22.1.
Variant type: single nucleotide variant.
Coding change: c.7890G>A on transcript NM_001375524.1 (MANE Select); coding-DNA position 7890, G replaced by A.
Protein change: p.Thr2630=; no amino-acid change (threonine 2630 retained).
Molecular consequence: synonymous variant.
Genome position (GRCh38, 1-based): chr7:98,976,199, G>A. VCF-style: chr7-98976199-G-A. GRCh37 (hg19) VCF-style: chr7-98573822-G-A.
Other names: c.7815G>A (NM_003496.3); c.7869G>A, p.Thr2623= (NM_001244580.2); c.7815G>A, p.Thr2605= (NM_003496.4).
Identifiers: ClinVar variation 2186120 (VCV002186120.6), dbSNP rs767585456, ClinGen allele CA4361273.
Genomic context (GRCh38, chr7:98,976,199, plus strand): 5'-CTGTTCATAGACTGGAGCGCTGCTCAGCGCTTTCGTTCAGCTGTGCCACATTTCCACGAC[G>A]CTGGCAGAGAAGACGTGGGTCCAGCTTTTCCCCAGATTGTGGAAGATCCTCTCTGACAGA-3'
Protein context (NP_001362453.1, residues 2620-2640): AFVQLCHIST[Thr2630=]LAEKTWVQLF